The following is an entry in ClinVar:

ClinVar aggregate classification (germline): Uncertain significance. Review status: criteria provided, multiple submitters, no conflicts (2 of 4 stars). 2 submissions from 2 submitters: Uncertain significance (2). Last evaluated 2024-06-17.

Conditions:
DICER1-related tumor predisposition. Also called: DICER1-related pleuropulmonary blastoma cancer predisposition syndrome; DICER1 syndrome. Identifiers: Orphanet 284343, MedGen C3839822, MONDO:0100216.
Hereditary cancer-predisposing syndrome. Also called: Neoplastic Syndromes, Hereditary; Hereditary neoplastic syndrome; Tumor predisposition; Hereditary Cancer Syndrome. Identifiers: Orphanet 140162, MedGen C0027672, MeSH D009386, MONDO:0015356.

Allele frequency attached by ClinVar (database versions not stated): gnomAD exomes below 0.00001; TOPMed below 0.00001; gnomAD 0.00001.
gnomAD v4.1: 4 of 1,613,978 alleles (0.00025%); highest among the groups gnomAD compares: Non-Finnish European, 0.00034%; no homozygotes.

Submissions (2):

Labcorp Genetics (formerly Invitae), Labcorp
Classification: Uncertain significance for DICER1-related tumor predisposition. Last evaluated: 2024-06-17. Review status: criteria provided, single submitter. Criteria: Invitae Variant Classification Sherloc (09022015). Collection method: clinical testing. Allele origin: germline.
Comment: This sequence change replaces proline, which is neutral and non-polar, with alanine, which is neutral and non-polar, at codon 1724 of the DICER1 protein (p.Pro1724Ala). This variant is present in population databases (no rsID available, gnomAD 0.0009%). This variant has not been reported in the literature in individuals affected with DICER1-related conditions. ClinVar contains an entry for this variant (Variation ID: 1942120). Advanced modeling of protein sequence and biophysical properties (such as structural, functional, and spatial information, amino acid conservation, physicochemical variation, residue mobility, and thermodynamic stability) performed at Invitae indicates that this missense variant is not expected to disrupt DICER1 protein function with a negative predictive value of 80%. In summary, the available evidence is currently insufficient to determine the role of this variant in disease. Therefore, it has been classified as a Variant of Uncertain Significance.

Ambry Genetics
Classification: Uncertain significance for Hereditary cancer-predisposing syndrome. Last evaluated: 2023-06-22. Review status: criteria provided, single submitter. Criteria: Ambry Variant Classification Scheme 2023. Collection method: clinical testing. Allele origin: germline.
Comment: The p.P1724A variant (also known as c.5170C>G), located in coding exon 23 of the DICER1 gene, results from a C to G substitution at nucleotide position 5170. The proline at codon 1724 is replaced by alanine, an amino acid with highly similar properties. This amino acid position is conserved. In addition, the in silico prediction for this alteration is inconclusive. Since supporting evidence is limited at this time, the clinical significance of this alteration remains unclear.

NM_177438.3(DICER1):c.5170C>G (p.Pro1724Ala)

Gene: DICER1 (dicer 1, ribonuclease III; minus strand). Cytogenetic location: 14q32.13.
Variant type: single nucleotide variant.
Coding change: c.5170C>G on transcript NM_177438.3 (MANE Select); coding-DNA position 5170, C replaced by G.
Protein change: p.Pro1724Ala; replaces proline 1724 with alanine.
Molecular consequence: missense variant. On other transcripts: non-coding transcript variant (6).
Genome position (GRCh38, 1-based): chr14:95,094,082, G>C on the plus strand (C>G on the coding strand, the complement: DICER1 is on the minus strand). VCF-style: chr14-95094082-G-C. GRCh37 (hg19) VCF-style: chr14-95560419-G-C.
Other names: c.5170C>G, p.Pro1724Ala (NM_001195573.1, NM_001271282.3, NM_001291628.2 and 9 more transcripts); c.4888C>G, p.Pro1630Ala (NM_001395686.1); c.4765C>G, p.Pro1589Ala (NM_001395687.1, NM_001395688.1, NM_001395689.1 and 1 more transcripts); c.4603C>G, p.Pro1535Ala (NM_001395691.1); c.3487C>G, p.Pro1163Ala (NM_001395697.1); short protein forms P1163A, P1630A, P1535A, P1589A, P1724A.
Identifiers: ClinVar variation 1942120 (VCV001942120.7), dbSNP rs1207697357, ClinGen allele CA390865286.